The following is an entry in ClinVar:

ClinVar aggregate classification (germline): Uncertain significance (1 of 4 stars; one submission).

Allele frequency attached by ClinVar (database versions not stated): TOPMed 0.00001.

Submission:

CeGaT Center for Human Genetics Tuebingen
Classification: Uncertain significance. Last evaluated: 2023-07-01. Review status: criteria provided, single submitter. Criteria: CeGaT Center For Human Genetics Tuebingen Variant Classification Criteria Version 2. Collection method: clinical testing. Allele origin: germline. Affected: yes. Observed: 1 variant allele.
Comment: RYR2: PM2, BP4

NM_001035.3(RYR2):c.10383G>A (p.Met3461Ile)

Gene: RYR2 (ryanodine receptor 2; plus strand). Cytogenetic location: 1q43.
Variant type: single nucleotide variant.
Coding change: c.10383G>A on transcript NM_001035.3 (MANE Select); coding-DNA position 10383, G replaced by A.
Protein change: p.Met3461Ile; replaces methionine 3461 with isoleucine.
Molecular consequence: missense variant.
Genome position (GRCh38, 1-based): chr1:237,717,257, G>A. VCF-style: chr1-237717257-G-A. GRCh37 (hg19) VCF-style: chr1-237880557-G-A.
Other names: short protein forms M3461I.
Identifiers: ClinVar variation 2578601 (VCV002578601.25), dbSNP rs1309268801, ClinGen allele CA345414390.